The following is an entry in ClinVar:

ClinVar aggregate classification (germline): Likely pathogenic. Review status: criteria provided, single submitter (1 of 4 stars). 2 submissions from 2 submitters: Likely pathogenic (1). 1 of the submissions does not count toward it. Last evaluated 2023-10-27.

Conditions:
Primary hyperoxaluria, type I (HP1). Also called: GLYCOLIC ACIDURIA; HEPATIC AGT DEFICIENCY; OXALOSIS I; Primary hyperoxaluria type 1. Identifiers: Orphanet 416, Orphanet 93598, MedGen C0268164, MONDO:0009823, OMIM 259900. Disease mechanism: loss of function.

Submissions (2):

Clinical Biochemistry Laboratory, Health Services Laboratory
Classification: Likely pathogenic for Primary hyperoxaluria, type I. Last evaluated: 2023-10-27. Review status: criteria provided, single submitter. Criteria: ACMG Guidelines, 2015. Collection method: curation. Allele origin: germline. Affected: yes.
Comment: Same amino acid affected as c.423G>T. ACMG: PS1 PM2 PP3 PP5

Counsyl
Classification: Uncertain significance for Primary hyperoxaluria, type I. Last evaluated: 2017-08-16. Review status: no assertion criteria provided. Collection method: clinical testing. Allele origin: unknown. Not counted in ClinVar's aggregate classification.

NM_000030.3(AGXT):c.423G>C (p.Glu141Asp)

Gene: AGXT (alanine--glyoxylate aminotransferase; plus strand). Cytogenetic location: 2q37.3.
Variant type: single nucleotide variant.
Coding change: c.423G>C on transcript NM_000030.3 (MANE Select); coding-DNA position 423, G replaced by C.
Protein change: p.Glu141Asp; replaces glutamic acid 141 with aspartic acid.
Molecular consequence: missense variant.
Genome position (GRCh38, 1-based): chr2:240,870,708, G>C. VCF-style: chr2-240870708-G-C. GRCh37 (hg19) VCF-style: chr2-241810125-G-C.
Other names: short protein forms E141D.
Identifiers: ClinVar variation 553340 (VCV000553340.3), dbSNP rs180177217, ClinGen allele CA351314700.